The following is an entry in ClinVar:

ClinVar aggregate classification (germline): Uncertain significance (1 of 4 stars; one submission).

Allele frequency attached by ClinVar (database versions not stated): gnomAD exomes below 0.00001; ExAC 0.00001.

Submission:

GeneDx
Classification: Uncertain significance. Last evaluated: 2022-12-14. Review status: criteria provided, single submitter. Criteria: GeneDx Variant Classification Process June 2021. Collection method: clinical testing. Allele origin: germline. Affected: yes.
Comment: Not observed at significant frequency in large population cohorts (gnomAD); In silico analysis supports that this missense variant has a deleterious effect on protein structure/function; Has not been previously published as pathogenic or benign to our knowledge

NM_014049.5(ACAD9):c.427G>A (p.Ala143Thr)

Gene: ACAD9 (acyl-CoA dehydrogenase family member 9; plus strand). Cytogenetic location: 3q21.3.
Variant type: single nucleotide variant.
Coding change: c.427G>A on transcript NM_014049.5 (MANE Select); coding-DNA position 427, G replaced by A.
Protein change: p.Ala143Thr; replaces alanine 143 with threonine.
Molecular consequence: missense variant. On other transcripts: non-coding transcript variant (1).
Genome position (GRCh38, 1-based): chr3:128,895,390, G>A. VCF-style: chr3-128895390-G-A. GRCh37 (hg19) VCF-style: chr3-128614233-G-A.
Other names: c.58G>A, p.Ala20Thr (NM_001410805.1); short protein forms A143T, A20T.
Identifiers: ClinVar variation 2505687 (VCV002505687.1), dbSNP rs781653464, ClinGen allele CA2601138.
Genomic context (GRCh38, chr3:128,895,390, plus strand): 5'-ACCATGTACTCAAGACTAGGGGAGATCATCAGCATGGATGGGTCCATCACTGTGACCCTG[G>A]CAGCGCACCAGGCTATTGGCCTCAAGGTCAGGTATCTGGGGATTCTGTGTGGTGCTCTCT-3'
Protein context (NP_054768.2, residues 133-153): SMDGSITVTL[Ala143Thr]AHQAIGLKGI